The following is an entry in ClinVar:

NM_003001.5(SDHC):c.180-16G>T

Gene: SDHC (succinate dehydrogenase complex subunit C; plus strand). Cytogenetic location: 1q23.3.
Variant type: single nucleotide variant.
Coding change: c.180-16G>T on transcript NM_003001.5 (MANE Select); 16 bases into the intron before coding-DNA position 180, G replaced by T.
Molecular consequence: intron variant.
Genome position (GRCh38, 1-based): chr1:161,340,578, G>T. VCF-style: chr1-161340578-G-T. GRCh37 (hg19) VCF-style: chr1-161310368-G-T.
Other names: c.69-16G>T (NM_001407119.1, NM_001407120.1); c.300-16G>T (NM_001407115.1); c.180-16G>T (NM_001035511.3); c.78-16G>T (NM_001035512.3, NM_001278172.3, NM_001407118.1); c.123-16G>T (NM_001407116.1, NM_001407121.1, NM_001407117.1); c.21-16G>T (NM_001035513.3).
Identifiers: ClinVar variation 3904390 (VCV003904390.1).
Genomic context (GRCh38, chr1:161,340,578, plus strand): 5'-ATTTTTGCCAAGATAGACTCTCTACTATGGTGTCATCTTTTCCTTTTTAAAATTGTCTTT[G>T]TGTGTTTCTTTACAGTTGGTCTCTTCCCATGGCGATGTCCATCTGCCACCGTGGCACTGG-3'

ClinVar aggregate classification (germline): Likely benign (1 of 4 stars; one submission).

Conditions:
Pheochromocytoma/paraganglioma syndrome 3. Also called: GLOMUS TUMORS, FAMILIAL, 3; Paragangliomas 3; SDHC-Related Hereditary Paraganglioma-Pheochromocytoma Syndrome (Paragangliomas 3); SDHC-Related Hereditary Paraganglioma-Pheochromocytoma Syndrome. Identifiers: Orphanet 29072, MedGen C1854336, MONDO:0011544, OMIM 605373.

Submission:

Myriad Genetics, Inc.
Classification: Likely benign for Pheochromocytoma/paraganglioma syndrome 3. Last evaluated: 2025-03-14. Review status: criteria provided, single submitter. Criteria: Myriad Autosomal Dominant, Autosomal Recessive and X-Linked Classification Criteria (2023). Collection method: clinical testing. Allele origin: unknown.
Comment: This variant is considered likely benign. This variant is intronic and is not expected to impact mRNA splicing.